The following is an entry in ClinVar:

NM_001701.4(BAAT):c.1189C>T (p.His397Tyr)

Gene: BAAT (bile acid-CoA:amino acid N-acyltransferase; minus strand). Cytogenetic location: 9q31.1.
Variant type: single nucleotide variant.
Coding change: c.1189C>T on transcript NM_001701.4 (MANE Select); coding-DNA position 1189, C replaced by T.
Protein change: p.His397Tyr; replaces histidine 397 with tyrosine.
Molecular consequence: missense variant.
Genome position (GRCh38, 1-based): chr9:101,362,496, G>A on the plus strand (C>T on the coding strand, the complement: BAAT is on the minus strand). VCF-style: chr9-101362496-G-A. GRCh37 (hg19) VCF-style: chr9-104124778-G-A.
Other names: c.1189C>T, p.His397Tyr (NM_001127610.2, NM_001374715.1); short protein forms H397Y.
Identifiers: ClinVar variation 3983992 (VCV003983992.2).

ClinVar aggregate classification (germline): Uncertain significance. Review status: criteria provided, multiple submitters, no conflicts (2 of 4 stars). 2 submissions from 2 submitters: Uncertain significance (2). Last evaluated 2025-04-02.

Conditions:
BAAT-related disorder. Also called: BAAT-related condition.

Submissions (2):

Ambry Genetics
Classification: Uncertain significance. Last evaluated: 2025-04-02. Review status: criteria provided, single submitter. Criteria: Ambry Variant Classification Scheme 2023. Collection method: clinical testing. Allele origin: germline.

PreventionGenetics, part of Exact Sciences
Classification: Uncertain significance for BAAT-related condition. Last evaluated: 2025-03-29. Review status: criteria provided, single submitter. Criteria: ACMG Guidelines, 2015. Collection method: clinical testing. Allele origin: germline.
Comment: The BAAT c.1189C>T variant is predicted to result in the amino acid substitution p.His397Tyr. To our knowledge, this variant has not been reported in the literature or in a large population database (gnomAD), indicating this variant is rare. At this time, the clinical significance of this variant is uncertain due to the absence of conclusive functional and genetic evidence.